The following is an entry in ClinVar:

ClinVar aggregate classification (germline): Benign (0 of 4 stars; one submission).

Conditions:
RECQL5-related disorder. Also called: RECQL5-related condition.

Allele frequency attached by ClinVar (database versions not stated): TOPMed 0.00784; 1000 Genomes Project 30x 0.00796; ESP Exome Variant Server 0.00851; gnomAD 0.00854; 1000 Genomes Project 0.00919; ExAC 0.01297.
gnomAD v4.1: 21,520 of 1,613,336 alleles (1.3%); highest among the groups gnomAD compares: South Asian, 3.4%; 210 homozygotes.

Submission:

PreventionGenetics, part of Exact Sciences
Classification: Benign for RECQL5-related condition. Last evaluated: 2019-11-07. Review status: no assertion criteria provided. Collection method: clinical testing. Allele origin: germline.
Comment: This variant is classified as benign based on ACMG/AMP sequence variant interpretation guidelines (Richards et al. 2015 PMID: 25741868, with internal and published modifications).

NM_004259.7(RECQL5):c.1718+8C>T

Gene: RECQL5 (RecQ like helicase 5; minus strand). Cytogenetic location: 17q25.1.
Variant type: single nucleotide variant.
Coding change: c.1718+8C>T on transcript NM_004259.7 (MANE Select); 8 bases into the intron after coding-DNA position 1718, C replaced by T.
Molecular consequence: intron variant.
Genome position (GRCh38, 1-based): chr17:75,630,611, G>A on the plus strand (C>T on the coding strand, the complement: RECQL5 is on the minus strand). VCF-style: chr17-75630611-G-A. GRCh37 (hg19) VCF-style: chr17-73626691-G-A.
Identifiers: ClinVar variation 3041565 (VCV003041565.2), dbSNP rs34850769, ClinGen allele CA8767306.